The following is an entry in ClinVar:

ClinVar aggregate classification (germline): Benign. Review status: criteria provided, multiple submitters, no conflicts (2 of 4 stars). 2 submissions from 2 submitters: Benign (2). Last evaluated 2018-06-14.

Allele frequency attached by ClinVar (database versions not stated): 1000 Genomes Project 30x 0.14288; 1000 Genomes Project 0.14417; TOPMed 0.16625; gnomAD 0.16998 and 0.17287.
gnomAD v4.1: 151,701 of 724,712 alleles (21%); highest among the groups gnomAD compares: Middle Eastern, 26%; 17,513 homozygotes.

Submissions (2):

GeneDx
Classification: Benign. Last evaluated: 2018-06-14. Review status: criteria provided, single submitter. Criteria: GeneDx Variant Classification (06012015). Collection method: clinical testing. Allele origin: germline. Affected: yes.
Comment: This variant is considered likely benign or benign based on one or more of the following criteria: it is a conservative change, it occurs at a poorly conserved position in the protein, it is predicted to be benign by multiple in silico algorithms, and/or has population frequency not consistent with disease.

Breakthrough Genomics
Classification: Benign. Review status: criteria provided, single submitter. Criteria: ACMG Guidelines, 2015. Collection method: not provided. Allele origin: germline. Inheritance: Autosomal recessive inheritance. Affected: yes.

NM_203447.4(DOCK8):c.1680-131A>T

Gene: DOCK8 (dedicator of cytokinesis 8; plus strand). Cytogenetic location: 9p24.3.
Variant type: single nucleotide variant.
Coding change: c.1680-131A>T on transcript NM_203447.4 (MANE Select); 131 bases into the intron before coding-DNA position 1680, A replaced by T.
Molecular consequence: intron variant.
Genome position (GRCh38, 1-based): chr9:367,887, A>T. VCF-style: chr9-367887-A-T. GRCh37 (hg19) VCF-style: chr9-367887-A-T.
Other names: c.1476-131A>T (NM_001193536.2, NM_001190458.2).
Identifiers: ClinVar variation 676844 (VCV000676844.2), dbSNP rs10814277, ClinGen allele CA13129817.